The following is an entry in ClinVar:

NM_201384.3(PLEC):c.45C>T (p.Gly15=)

Genes: PLEC (plectin; minus strand), LOC130001338 (ATAC-STARR-seq lymphoblastoid active region 28078; plus strand). Cytogenetic location: 8q24.3.
Variant type: single nucleotide variant.
Coding change: c.45C>T on transcript NM_201384.3 (MANE Select); coding-DNA position 45, C replaced by T.
Protein change: p.Gly15=; no amino-acid change (glycine 15 retained).
Molecular consequence: synonymous variant. On other transcripts: intron variant (8).
Genome position (GRCh38, 1-based): chr8:143,939,417, G>A on the plus strand (C>T on the coding strand, the complement: PLEC is on the minus strand). VCF-style: chr8-143939417-G-A. GRCh37 (hg19) VCF-style: chr8-145013585-G-A.
Other names: c.194-725C>T (NM_001410941.1, NM_000445.5); c.71-725C>T (NM_201378.4); c.47-725C>T (NM_201379.3); c.524-725C>T (NM_201380.4); c.17-725C>T (NM_201381.3); c.113-725C>T (NM_201382.4); c.125-725C>T (NM_201383.3).
Identifiers: ClinVar variation 4979456 (VCV004979456.1).

ClinVar aggregate classification (germline): Likely benign (1 of 4 stars; one submission).

Conditions:
PLEC-related disorder. Also called: PLEC-related condition; PLEC-related disorders.

gnomAD v4.1: 43 of 1,612,678 alleles (0.0027%); highest among the groups gnomAD compares: African/African-American, 0.055%; no homozygotes.

Submission:

PreventionGenetics, part of Exact Sciences
Classification: Likely benign for PLEC-related condition. Last evaluated: 2025-11-20. Review status: criteria provided, single submitter. Criteria: ACMG Guidelines, 2015. Collection method: clinical testing. Allele origin: germline.
Comment: This variant is classified as likely benign based on ACMG/AMP sequence variant interpretation guidelines (Richards et al. 2015 PMID: 25741868, with internal and published modifications).